The following is an entry in ClinVar:

ClinVar aggregate classification (germline): Uncertain significance (1 of 4 stars; one submission).

Conditions:
Osteogenesis imperfecta type 7 (OI7). Also called: OSTEOGENESIS IMPERFECTA, TYPE IIB; Osteogenesis imperfecta type 2B; OI type 2B; Osteogenesis imperfecta, perinatal lethal autosomal recessive; OI type IIB; OI type 7. Identifiers: MedGen C1853162, MONDO:0012536, OMIM 610682.

gnomAD v4.1: 1 of 1,611,978 alleles (0.000062%); highest among the groups gnomAD compares: Non-Finnish European, 0.000085%; no homozygotes.

Submission:

Labcorp Genetics (formerly Invitae), Labcorp
Classification: Uncertain significance for Osteogenesis imperfecta type 7. Last evaluated: 2020-06-22. Review status: criteria provided, single submitter. Criteria: Invitae Variant Classification Sherloc (09022015). Collection method: clinical testing. Allele origin: germline.
Comment: In summary, the available evidence is currently insufficient to determine the role of this variant in disease. Therefore, it has been classified as a Variant of Uncertain Significance. Algorithms developed to predict the effect of missense changes on protein structure and function are either unavailable or do not agree on the potential impact of this missense change (SIFT: "Deleterious"; PolyPhen-2: "Possibly Damaging"; Align-GVGD: "Class C0"). This variant has not been reported in the literature in individuals with CRTAP-related conditions. This variant is not present in population databases (ExAC no frequency). This sequence change replaces leucine with arginine at codon 201 of the CRTAP protein (p.Leu201Arg). The leucine residue is highly conserved and there is a moderate physicochemical difference between leucine and arginine.

NM_006371.5(CRTAP):c.602T>G (p.Leu201Arg)

Gene: CRTAP (cartilage associated protein; plus strand). Cytogenetic location: 3p22.3.
Variant type: single nucleotide variant.
Coding change: c.602T>G on transcript NM_006371.5 (MANE Select); coding-DNA position 602, T replaced by G.
Protein change: p.Leu201Arg; replaces leucine 201 with arginine.
Molecular consequence: missense variant.
Genome position (GRCh38, 1-based): chr3:33,120,474, T>G. VCF-style: chr3-33120474-T-G. GRCh37 (hg19) VCF-style: chr3-33161966-T-G.
Other names: short protein forms L201R.
Identifiers: ClinVar variation 1009337 (VCV001009337.5), dbSNP rs376333603, ClinGen allele CA352009218.
Genomic context (GRCh38, chr3:33,120,474, plus strand): 5'-TGAAGAGGAACATGGCATATTATAAGAGCCTGCCTGGTGCCGAGGACTACATTAAAGACC[T>G]GGAAACCAAGTCATATGAAGTATGTTTGGATTTTTATGTGGCAGTTAGTGGCAACCTGGA-3'
Protein context (NP_006362.1, residues 191-211): LPGAEDYIKD[Leu201Arg]ETKSYESLFI